The following is an entry in ClinVar:

ClinVar aggregate classification (germline): Pathogenic/Likely pathogenic. Review status: criteria provided, multiple submitters, no conflicts (2 of 4 stars). 5 submissions from 5 submitters: Pathogenic (3); Likely pathogenic (1). 1 of the submissions does not count toward it. Last evaluated 2025-11-13.

Conditions:
3-Methylglutaconic aciduria type 2 (BTHS). Also called: CARDIOSKELETAL MYOPATHY WITH NEUTROPENIA AND ABNORMAL MITOCHONDRIA; Barth syndrome. Identifiers: Orphanet 111, MedGen C0574083, MONDO:0010543, OMIM 302060.

Submissions (5):

Greenwood Genetic Center Diagnostic Laboratories, Greenwood Genetic Center
Classification: Pathogenic for 3-Methylglutaconic aciduria type 2. Last evaluated: 2025-11-13. Review status: criteria provided, single submitter. Criteria: ACMG Guidelines, 2015. Collection method: clinical testing. Allele origin: germline. Affected: yes.
Comment: PVS1, PS4, PM2, PP1

GeneDx
Classification: Pathogenic. Last evaluated: 2025-06-26. Review status: criteria provided, single submitter. Criteria: GeneDx Variant Classification Process June 2021. Collection method: clinical testing. Allele origin: germline. Affected: yes.
Comment: Nonsense variant predicted to result in protein truncation or nonsense mediated decay in a gene for which loss of function is a known mechanism of disease; Not observed at significant frequency in large population cohorts (gnomAD); This variant is associated with the following publications: (PMID: 25525159, 26908608, 14764526, 12410207, 30251684, 17846786, 1998334, 8630491, 6142097, 31967729, 26845103, 9382096, 15098233)

Molecular Diagnostics Lab, Nemours Children's Health, Delaware
Classification: Likely pathogenic for 3-Methylglutaconic aciduria type 2. Last evaluated: 2020-08-25. Review status: criteria provided, single submitter. Criteria: ACMG Guidelines, 2015. Collection method: clinical testing. Allele origin: maternal, unknown. Inheritance: X-linked inheritance. Affected: yes and no. Observed: 1 heterozygote, 1 hemizygote.

CeGaT Center for Human Genetics Tuebingen
Classification: Pathogenic. Last evaluated: 2019-01-01. Review status: criteria provided, single submitter. Criteria: CeGaT Center For Human Genetics Tuebingen Variant Classification Criteria Version 2. Collection method: clinical testing. Allele origin: germline. Affected: yes. Observed: 3 variant alleles.

OMIM
Classification: Pathogenic for BARTH SYNDROME. Last evaluated: 2004-05-01. Review status: no assertion criteria provided. Collection method: literature only. Allele origin: germline. Not counted in ClinVar's aggregate classification.

Literature cited by the submitters: PubMed 17846786 (cited by Molecular Diagnostics Lab, Nemours Children's Health, Delaware); PubMed 26845103 (cited by Molecular Diagnostics Lab, Nemours Children's Health, Delaware); PubMed 9382096 (cited by Molecular Diagnostics Lab, Nemours Children's Health, Delaware); PubMed 6142097 (cited by OMIM); PubMed 1998334 (cited by OMIM); PubMed 8630491 (cited by OMIM); PubMed 15098233 (cited by OMIM).

NM_000116.5(TAFAZZIN):c.153C>G (p.Tyr51Ter)

Gene: TAFAZZIN (tafazzin, phospholipid-lysophospholipid transacylase; plus strand). Cytogenetic location: Xq28.
Variant type: single nucleotide variant.
Coding change: c.153C>G on transcript NM_000116.5 (MANE Select); coding-DNA position 153, C replaced by G.
Protein change: p.Tyr51Ter; replaces tyrosine 51 with a stop codon.
Molecular consequence: nonsense. On other transcripts: non-coding transcript variant (1).
Genome position (GRCh38, 1-based): chrX:154,412,129, C>G. VCF-style: chrX-154412129-C-G. GRCh37 (hg19) VCF-style: chrX-153640466-C-G.
Other names: c.153C>G (NM_000116.3); c.207C>G, p.Tyr69Ter (NM_001303465.2); c.153C>G, p.Tyr51Ter (NM_181311.4, NM_181312.4, NM_181313.4); short protein forms Y51*, Y69*.
Identifiers: ClinVar variation 11101 (VCV000011101.48), dbSNP rs104894941, ClinGen allele CA255717.